The following is an entry in ClinVar:

NM_002474.3(MYH11):c.2837AGA[1] (p.Lys947del)

Gene: MYH11 (myosin heavy chain 11; minus strand). Cytogenetic location: 16p13.11.
Variant type: Microsatellite.
Coding change: c.2837AGA[1] on transcript NM_002474.3 (MANE Select); one copy of the 3-base unit AGA starting at c.2837; the reference has two copies in a row; one copy, 3 bases deleted.
Protein change: p.Lys947del; deletes lysine 947.
Genome position (GRCh38, 1-based): chr16:15,741,480-15,741,482, TCT deleted on the plus strand (AGA on the coding strand, the reverse complement: MYH11 is on the minus strand); deleting any 3 consecutive bases within chr16:15,741,480-15,741,487 gives the same sequence; the position shown is the placement nearest the transcript's 3' end. VCF-style (leftmost placement, unchanged base first): chr16-15741479-ATCT-A. GRCh37 (hg19) VCF-style: chr16-15835336-ATCT-A.
Other names: c.2858AGA[1], p.Lys954del (NM_001040113.2, NM_001040114.2); c.2837AGA[1], p.Lys947del (NM_022844.3); c.2861_2863del (NM_001040113.2); short protein forms K947del, K954del.
Identifiers: ClinVar variation 3893924 (VCV003893924.1).

ClinVar aggregate classification (germline): Uncertain significance (1 of 4 stars; one submission).

Conditions:
Familial thoracic aortic aneurysm and aortic dissection (TAAD). Also called: Thoracic aortic aneurysms and dissections. Identifiers: Orphanet 91387, MedGen C4707243, MONDO:0019625.

Submission:

Color Diagnostics, LLC DBA Color Health
Classification: Uncertain significance for Familial thoracic aortic aneurysm and aortic dissection. Last evaluated: 2024-12-16. Review status: criteria provided, single submitter. Criteria: ACMG Guidelines, 2015. Collection method: clinical testing. Allele origin: germline.
Comment: This variant causes an in-frame deletion of one amino acid at exon 23 of the MYH11 protein. To our knowledge, functional studies have not been reported for this variant. This variant has not been reported in individuals affected with MYH11-related disorders in the literature. This variant has not been identified in the general population by the Genome Aggregation Database (gnomAD). The available evidence is insufficient to determine the role of this variant in disease conclusively. Therefore, this variant is classified as a Variant of Uncertain Significance.